The following is an entry in ClinVar:

ClinVar aggregate classification (germline): Likely benign. Review status: criteria provided, multiple submitters, no conflicts (2 of 4 stars). 2 submissions from 2 submitters: Likely benign (2). Last evaluated 2025-12-16.

Allele frequency attached by ClinVar (database versions not stated): gnomAD exomes 0.00035 and 0.00070; ESP Exome Variant Server 0.00038; TOPMed 0.00040; gnomAD 0.00049 and 0.00052; ExAC 0.00050.
gnomAD v4.1: 647 of 1,613,412 alleles (0.04%); highest among the groups gnomAD compares: Non-Finnish European, 0.0075%; 3 homozygotes.

Submissions (5):

Labcorp Genetics (formerly Invitae), Labcorp
Classification: Likely benign. Last evaluated: 2025-12-16. Review status: criteria provided, single submitter. Criteria: Invitae Variant Classification Sherloc (09022015). Collection method: clinical testing. Allele origin: germline.

CeGaT Center for Human Genetics Tuebingen
Classification: Likely benign. Last evaluated: 2025-12-01. Review status: criteria provided, single submitter. Criteria: CeGaT Center For Human Genetics Tuebingen Variant Classification Criteria Version 2. Collection method: clinical testing. Allele origin: germline. Affected: yes. Observed: 4 variant alleles.
Comment: GNAS: BP4

Dr. Peter K. Rogan Lab, Western University
No classification provided (evidence only). Condition: Clear cell carcinoma of kidney. Review status: no classification provided. Collection method: in vitro. Allele origin: not applicable. Functional consequence: retained intron. Not counted in ClinVar's aggregate classification.

Dr. Peter K. Rogan Lab, Western University
No classification provided (evidence only). Condition: Thyroid cancer, nonmedullary, 1. Review status: no classification provided. Collection method: in vitro. Allele origin: not applicable. Functional consequence: retained intron. Not counted in ClinVar's aggregate classification.

Dr. Peter K. Rogan Lab, Western University
No classification provided (evidence only). Condition: Sarcoma. Review status: no classification provided. Collection method: in vitro. Allele origin: not applicable. Functional consequence: retained intron. Not counted in ClinVar's aggregate classification.

NM_000516.7(GNAS):c.219C>T (p.Gly73=)

Gene: GNAS (GNAS complex locus; plus strand). Cytogenetic location: 20q13.32.
Variant type: single nucleotide variant.
Coding change: c.219C>T on transcript NM_000516.7 (MANE Select); coding-DNA position 219, C replaced by T.
Protein change: p.Gly73=; no amino-acid change (glycine 73 retained).
Molecular consequence: synonymous variant. On other transcripts: 3 prime UTR variant (3), non-coding transcript variant (2), intron variant (2).
Genome position (GRCh38, 1-based): chr20:58,898,947, C>T. VCF-style: chr20-58898947-C-T. GRCh37 (hg19) VCF-style: chr20-57474002-C-T.
Other names: c.219C>T, p.Gly73= (NM_001077488.5, NM_001309842.2); c.*80C>T (NM_001077490.3); c.42C>T, p.Gly14= (NM_001309840.2, NM_001309861.2); c.*238C>T (NM_001309883.1); c.*122C>T (NM_016592.5); c.2148C>T, p.Gly716= (NM_080425.4); c.212+3263C>T (NM_080426.4, NM_001077489.4).
Identifiers: ClinVar variation 782066 (VCV000782066.34), dbSNP rs61737691, ClinGen allele CA9926941.